The following is an entry in ClinVar:

ClinVar aggregate classification (germline): Uncertain significance (1 of 4 stars; one submission).

Submission:

Labcorp Genetics (formerly Invitae), Labcorp
Classification: Uncertain significance. Last evaluated: 2020-12-23. Review status: criteria provided, single submitter. Criteria: Invitae Variant Classification Sherloc (09022015). Collection method: clinical testing. Allele origin: germline.
Comment: This sequence change replaces glutamine with proline at codon 610 of the MSH3 protein (p.Gln610Pro). The glutamine residue is moderately conserved and there is a moderate physicochemical difference between glutamine and proline. In summary, the available evidence is currently insufficient to determine the role of this variant in disease. Therefore, it has been classified as a Variant of Uncertain Significance. Algorithms developed to predict the effect of missense changes on protein structure and function (SIFT, PolyPhen-2, Align-GVGD) all suggest that this variant is likely to be tolerated, but these predictions have not been confirmed by published functional studies and their clinical significance is uncertain. This variant has not been reported in the literature in individuals with MSH3-related conditions. This variant is not present in population databases (ExAC no frequency).

NM_002439.5(MSH3):c.1829A>C (p.Gln610Pro)

Gene: MSH3 (mutS homolog 3; plus strand). Cytogenetic location: 5q14.1.
Variant type: single nucleotide variant.
Coding change: c.1829A>C on transcript NM_002439.5 (MANE Select); coding-DNA position 1829, A replaced by C.
Protein change: p.Gln610Pro; replaces glutamine 610 with proline.
Molecular consequence: missense variant.
Genome position (GRCh38, 1-based): chr5:80,761,611, A>C. VCF-style: chr5-80761611-A-C. GRCh37 (hg19) VCF-style: chr5-80057430-A-C.
Other names: short protein forms Q610P.
Identifiers: ClinVar variation 1510973 (VCV001510973.8), dbSNP rs2112879955, ClinGen allele CA360276601.